The following is an entry in ClinVar:

NM_015910.7(WDPCP):c.771T>A (p.Ser257=)

Gene: WDPCP (WD repeat containing planar cell polarity effector; minus strand). Cytogenetic location: 2p15.
Variant type: single nucleotide variant.
Coding change: c.771T>A on transcript NM_015910.7 (MANE Select); coding-DNA position 771, T replaced by A.
Protein change: p.Ser257=; no amino-acid change (serine 257 retained).
Molecular consequence: synonymous variant. On other transcripts: non-coding transcript variant (3).
Genome position (GRCh38, 1-based): chr2:63,433,799, A>T on the plus strand (T>A on the coding strand, the complement: WDPCP is on the minus strand). VCF-style: chr2-63433799-A-T. GRCh37 (hg19) VCF-style: chr2-63660933-A-T.
Other names: c.294T>A, p.Ser98= (NM_001042692.3); c.699T>A, p.Ser233= (NM_001354044.2); c.771T>A, p.Ser257= (NM_001354045.2); c.771T>A (NM_015910.5).
Identifiers: ClinVar variation 1058192 (VCV001058192.10), dbSNP rs764847886, ClinGen allele CA1682354.

ClinVar aggregate classification (germline): Conflicting classifications of pathogenicity. Review status: criteria provided, conflicting classifications (1 of 4 stars). 3 submissions from 3 submitters: Uncertain significance (1); Likely benign (1). 1 of the submissions does not count toward it. Last evaluated 2024-05-10.

Conditions:
Heart defect - tongue hamartoma - polysyndactyly syndrome. Also called: Congenital heart defects, hamartomas of tongue, and polysyndactyly. Identifiers: Orphanet 1338, MedGen C1857587, MONDO:0009008, OMIM 217085.
Bardet-Biedl syndrome 15 (BBS15). Identifiers: Orphanet 110, MedGen C3150127, MONDO:0014443, OMIM 615992.
Bardet-Biedl syndrome (BBS). Identifiers: Orphanet 110, MedGen C0752166, MONDO:0015229.
WDPCP-related disorder. Also called: WDPCP-related condition.

Allele frequency attached by ClinVar (database versions not stated): ExAC 0.00001; gnomAD exomes 0.00001; gnomAD 0.00002 and 0.00003; TOPMed 0.00002.
gnomAD v4.1: 15 of 1,612,212 alleles (0.00093%); highest among the groups gnomAD compares: Non-Finnish European, 0.0013%; no homozygotes.

Submissions (3):

Labcorp Genetics (formerly Invitae), Labcorp
Classification: Likely benign for Bardet-Biedl syndrome. Last evaluated: 2024-05-10. Review status: criteria provided, single submitter. Criteria: Invitae Variant Classification Sherloc (09022015). Collection method: clinical testing. Allele origin: germline.

Fulgent Genetics
Classification: Uncertain significance for Heart defect - tongue hamartoma - polysyndactyly syndrome; Bardet-Biedl syndrome 15. Last evaluated: 2024-03-20. Review status: criteria provided, single submitter. Criteria: ACMG Guidelines, 2015. Collection method: clinical testing. Allele origin: germline.

PreventionGenetics, part of Exact Sciences
Classification: Likely benign for WDPCP-related condition. Last evaluated: 2023-06-07. Review status: no assertion criteria provided. Collection method: clinical testing. Allele origin: germline. Not counted in ClinVar's aggregate classification.
Comment: This variant is classified as likely benign based on ACMG/AMP sequence variant interpretation guidelines (Richards et al. 2015 PMID: 25741868, with internal and published modifications).